The following is an entry in ClinVar:

NC_000023.10:g.(31747866_31792076)_(32430031_32456357)del

Gene: DMD (dystrophin; minus strand). Cytogenetic location: Xp21.1.
Variant type: Deletion.
Identifiers: ClinVar variation 2504006 (VCV002504006.1).

ClinVar aggregate classification (germline): Pathogenic (1 of 4 stars; one submission).

Conditions:
Neuromuscular disease caused by qualitative or quantitative defects of dystrophin. Also called: Qualitative or quantitative defects of dystrophin. Identifiers: Orphanet 207085, MedGen C5679787, MONDO:0016147.

Submission:

Women's Health and Genetics/Laboratory Corporation of America, LabCorp
Classification: Pathogenic for Neuromuscular disease caused by qualitative or quantitative defects of dystrophin. Last evaluated: 2023-04-03. Review status: criteria provided, single submitter. Criteria: LabCorp Variant Classification Summary - May 2015. Collection method: clinical testing. Allele origin: germline.
Comment: Variant summary: The variant identified by MLPA or other technology involves the deletion of exons 30-51 in the DMD gene. A presumed nomenclature of c.(4071+1_4072-1)_(7542+1_7543-1)del has been designated for the purposes of this classification. Although exact breakpoints of this deletion are not known, it is expected to result in a large in-frame deletion change in the DMD gene, a known mechanism of disease. The variant was absent in 16120 control chromosomes (gnomAD, Structural Variants dataset). Deletion of exons 30-51 has been reported in the literature in individuals affected with Dystrophinopathies (Neri_2020, Carsana_2005). These data indicate that the variant is likely to be associated with disease. No submitters have provided clinical-significance assessments for this variant to ClinVar after 2014. Other smaller in-frame deletions within this region of DMD (e.g. exon 35-44 deletion, exon 45-47 deletion) have been reported in patients and classified as pathogenic by our laboratory. Based on the evidence outlined above, the variant was classified as pathogenic.

Literature cited by the submitters: PubMed 20036901; PubMed 32194622; PubMed 15845029.